The following is an entry in ClinVar:

ClinVar aggregate classification (germline): Uncertain significance (1 of 4 stars; one submission).

Submission:

GeneDx
Classification: Uncertain significance. Last evaluated: 2025-06-09. Review status: criteria provided, single submitter. Criteria: GeneDx Variant Classification Process June 2021. Collection method: clinical testing. Allele origin: germline. Affected: yes.
Comment: Not observed at significant frequency in large population cohorts (gnomAD); In silico analysis suggests that this missense variant does not alter protein structure/function; Has not been previously published as pathogenic or benign to our knowledge

NM_001122659.3(EDNRB):c.271C>G (p.Gln91Glu)

Gene: EDNRB (endothelin receptor type B; minus strand). Cytogenetic location: 13q22.3.
Variant type: single nucleotide variant.
Coding change: c.271C>G on transcript NM_001122659.3 (MANE Select); coding-DNA position 271, C replaced by G.
Protein change: p.Gln91Glu; replaces glutamine 91 with glutamic acid.
Molecular consequence: missense variant.
Genome position (GRCh38, 1-based): chr13:77,918,303, G>C on the plus strand (C>G on the coding strand, the complement: EDNRB is on the minus strand). VCF-style: chr13-77918303-G-C. GRCh37 (hg19) VCF-style: chr13-78492438-G-C.
Other names: c.271C>G, p.Gln91Glu (NM_000115.5, NM_003991.4); c.541C>G, p.Gln181Glu (NM_001201397.2); short protein forms Q181E, Q91E.
Identifiers: ClinVar variation 1306545 (VCV001306545.3), dbSNP rs2137639673, ClinGen allele CA388452697.